The following is an entry in ClinVar:

ClinVar aggregate classification (germline): Uncertain significance. Review status: criteria provided, multiple submitters, no conflicts (2 of 4 stars). 3 submissions from 3 submitters: Uncertain significance (3). Last evaluated 2025-07-02.

Allele frequency attached by ClinVar (database versions not stated): gnomAD exomes 0.00001; TOPMed 0.00001.

Submissions (3):

Ambry Genetics
Classification: Uncertain significance. Last evaluated: 2025-07-02. Review status: criteria provided, single submitter. Criteria: Ambry Variant Classification Scheme 2023. Collection method: clinical testing. Allele origin: germline.

Mayo Clinic Laboratories, Mayo Clinic
Classification: Uncertain significance. Last evaluated: 2025-02-13. Review status: criteria provided, single submitter. Criteria: ACMG Guidelines, 2015. Collection method: clinical testing. Allele origin: germline. Observed: 1 variant allele.
Comment: BP4_moderate

Labcorp Genetics (formerly Invitae), Labcorp
Classification: Uncertain significance. Last evaluated: 2024-08-11. Review status: criteria provided, single submitter. Criteria: Invitae Variant Classification Sherloc (09022015). Collection method: clinical testing. Allele origin: germline.
Comment: This sequence change replaces arginine, which is basic and polar, with glutamine, which is neutral and polar, at codon 163 of the MYLK3 protein (p.Arg163Gln). This variant is present in population databases (no rsID available, gnomAD 0.003%). This variant has not been reported in the literature in individuals affected with MYLK3-related conditions. ClinVar contains an entry for this variant (Variation ID: 1403692). An algorithm developed to predict the effect of missense changes on protein structure and function outputs the following: PolyPhen-2: "Benign". The glutamine amino acid residue is found in multiple mammalian species, which suggests that this missense change does not adversely affect protein function. In summary, the available evidence is currently insufficient to determine the role of this variant in disease. Therefore, it has been classified as a Variant of Uncertain Significance.

NM_182493.3(MYLK3):c.488G>A (p.Arg163Gln)

Gene: MYLK3 (myosin light chain kinase 3; minus strand). Cytogenetic location: 16q11.2.
Variant type: single nucleotide variant.
Coding change: c.488G>A on transcript NM_182493.3 (MANE Select); coding-DNA position 488, G replaced by A.
Protein change: p.Arg163Gln; replaces arginine 163 with glutamine.
Molecular consequence: missense variant. On other transcripts: 5 prime UTR variant (1).
Genome position (GRCh38, 1-based): chr16:46,740,137, C>T on the plus strand (G>A on the coding strand, the complement: MYLK3 is on the minus strand). VCF-style: chr16-46740137-C-T. GRCh37 (hg19) VCF-style: chr16-46774049-C-T.
Other names: p.Arg163Gln; c.-103G>A (NM_001308301.1); c.488G>A (NM_182493.2); short protein forms R163Q.
Identifiers: ClinVar variation 1403692 (VCV001403692.8), dbSNP rs1432975061, ClinGen allele CA395796086.